The following is an entry in ClinVar:

ClinVar aggregate classification (germline): Pathogenic. Review status: criteria provided, multiple submitters, no conflicts (2 of 4 stars). 3 submissions from 3 submitters: Pathogenic (3). Last evaluated 2024-12-11.

Conditions:
Glutaric aciduria, type 1. Also called: Glutaric acidemia type I; Glutaryl-CoA dehydrogenase deficiency; Glutaricacidemia Type 1; Glutaricaciduria, type I; Glutaric Acidemia Type 1; GA I. Identifiers: Orphanet 25, MedGen C0268595, MONDO:0009281, OMIM 231670.

Submissions (3):

Women's Health and Genetics/Laboratory Corporation of America, LabCorp
Classification: Pathogenic for Glutaric aciduria, type 1. Last evaluated: 2024-12-11. Review status: criteria provided, single submitter. Criteria: LabCorp Variant Classification Summary - May 2015. Collection method: clinical testing. Allele origin: germline.
Comment: Variant summary: GCDH c.150G>A (p.Trp50X) results in a premature termination codon, predicted to cause a truncation of the encoded protein or absence of the protein due to nonsense mediated decay, which are commonly known mechanisms for disease. The variant was absent in 250314 control chromosomes. c.150G>A has been reported in the literature in at least one homozygous individual affected with Glutaricaciduria (e.g. Kaur_2021). These data indicate that the variant is likely to be associated with disease. To our knowledge, no experimental evidence demonstrating an impact on protein function has been reported. The following publication has been ascertained in the context of this evaluation (PMID: 34302356). ClinVar contains an entry for this variant (Variation ID: 1332718). Based on the evidence outlined above, the variant was classified as pathogenic.

Labcorp Genetics (formerly Invitae), Labcorp
Classification: Pathogenic for Glutaric aciduria, type 1. Last evaluated: 2021-07-20. Review status: criteria provided, single submitter. Criteria: Invitae Variant Classification Sherloc (09022015). Collection method: clinical testing. Allele origin: germline.
Comment: This sequence change creates a premature translational stop signal (p.Trp50*) in the GCDH gene. It is expected to result in an absent or disrupted protein product. Loss-of-function variants in GCDH are known to be pathogenic (PMID: 10699052, 11854167, 16602100). For these reasons, this variant has been classified as Pathogenic. This variant has not been reported in the literature in individuals affected with GCDH-related conditions. This variant is not present in population databases (ExAC no frequency).

Kasturba Medical College, Manipal, Kasturba Medical College, Manipal, Manipal Academy of Higher Education, Manipal, India
Classification: Pathogenic for Glutaric aciduria, type 1. Review status: criteria provided, single submitter. Criteria: ACMG Guidelines, 2015. Collection method: clinical testing. Allele origin: inherited. Affected: yes.

Literature cited by the submitters: PubMed 34302356 (cited by Women's Health and Genetics/Laboratory Corporation of America, LabCorp); PubMed 10699052 (cited by Labcorp Genetics (formerly Invitae), Labcorp); PubMed 11854167 (cited by Labcorp Genetics (formerly Invitae), Labcorp); PubMed 16602100 (cited by Labcorp Genetics (formerly Invitae), Labcorp).

NM_000159.4(GCDH):c.150G>A (p.Trp50Ter)

Genes: GCDH (glutaryl-CoA dehydrogenase; plus strand), LOC117125594 (CRISPRi-FlowFISH-validated KLF1 regulatory element; plus strand). Cytogenetic location: 19p13.13.
Variant type: single nucleotide variant.
Coding change: c.150G>A on transcript NM_000159.4 (MANE Select); coding-DNA position 150, G replaced by A.
Protein change: p.Trp50Ter; replaces tryptophan 50 with a stop codon.
Molecular consequence: nonsense. On other transcripts: non-coding transcript variant (2).
Genome position (GRCh38, 1-based): chr19:12,891,853, G>A. VCF-style: chr19-12891853-G-A. GRCh37 (hg19) VCF-style: chr19-13002667-G-A.
Other names: c.150G>A, p.Trp50Ter (NM_013976.5); short protein forms W50*.
Identifiers: ClinVar variation 1332718 (VCV001332718.8), dbSNP rs1970564149, ClinGen allele CA404314833.